The following is an entry in ClinVar:

NM_015331.3(NCSTN):c.1301G>A (p.Arg434Gln)

Gene: NCSTN (nicastrin; plus strand). Cytogenetic location: 1q23.2.
Variant type: single nucleotide variant.
Coding change: c.1301G>A on transcript NM_015331.3 (MANE Select); coding-DNA position 1301, G replaced by A.
Protein change: p.Arg434Gln; replaces arginine 434 with glutamine.
Molecular consequence: missense variant.
Genome position (GRCh38, 1-based): chr1:160,354,239, G>A. VCF-style: chr1-160354239-G-A. GRCh37 (hg19) VCF-style: chr1-160324029-G-A.
Other names: c.1241G>A, p.Arg414Gln (NM_001290184.2); c.887G>A, p.Arg296Gln (NM_001290186.2); c.1301G>A, p.Arg434Gln (NM_001349729.2); short protein forms R414Q, R434Q, R296Q.
Identifiers: ClinVar variation 1351125 (VCV001351125.8), dbSNP rs200487987, ClinGen allele CA31539963.

ClinVar aggregate classification (germline): Uncertain significance (1 of 4 stars; one submission).

Allele frequency attached by ClinVar (database versions not stated): gnomAD exomes below 0.00001; gnomAD 0.00001; TOPMed 0.00002.

Submission:

Labcorp Genetics (formerly Invitae), Labcorp
Classification: Uncertain significance. Last evaluated: 2021-03-18. Review status: criteria provided, single submitter. Criteria: Invitae Variant Classification Sherloc (09022015). Collection method: clinical testing. Allele origin: germline.
Comment: Algorithms developed to predict the effect of missense changes on protein structure and function output the following: SIFT: "Tolerated"; PolyPhen-2: "Benign"; Align-GVGD: "Class C0". The glutamine amino acid residue is found in multiple mammalian species, suggesting that this missense change does not adversely affect protein function. These predictions have not been confirmed by published functional studies and their clinical significance is uncertain. This variant has not been reported in the literature in individuals with NCSTN-related conditions. This variant is not present in population databases (ExAC no frequency). This sequence change replaces arginine with glutamine at codon 434 of the NCSTN protein (p.Arg434Gln). The arginine residue is highly conserved and there is a small physicochemical difference between arginine and glutamine. In summary, the available evidence is currently insufficient to determine the role of this variant in disease. Therefore, it has been classified as a Variant of Uncertain Significance.